The following is an entry in ClinVar:

ClinVar aggregate classification (germline): Likely pathogenic. Review status: criteria provided, single submitter (1 of 4 stars). 2 submissions from 2 submitters: Likely pathogenic (1). 1 of the submissions does not count toward it. Last evaluated 2023-08-15.

Conditions:
46,XY sex reversal 11. Also called: Testicular regression syndrome; Vanishing testis; ANORCHIA, FAMILIAL; TESTICULAR REGRESSION, EMBRYONIC. Identifiers: Orphanet 983, MedGen C0266427, MONDO:8000015, OMIM 273250, HP:0012870.

Submissions (2):

GeneDx
Classification: Likely pathogenic. Last evaluated: 2023-08-15. Review status: criteria provided, single submitter. Criteria: GeneDx Variant Classification Process June 2021. Collection method: clinical testing. Allele origin: germline. Affected: yes.
Comment: Not observed at significant frequency in large population cohorts (gnomAD); In silico analysis supports that this missense variant has a deleterious effect on protein structure/function; This variant is associated with the following publications: (PMID: 31337883)

OMIM
Classification: Pathogenic for 46,XY SEX REVERSAL 11. Last evaluated: 2020-04-22. Review status: no assertion criteria provided. Collection method: literature only. Allele origin: germline. Not counted in ClinVar's aggregate classification.

Literature cited by the submitters: PubMed 31337883 (cited by OMIM).

NM_032656.4(DHX37):c.2021G>A (p.Arg674Gln)

Gene: DHX37 (DEAH-box helicase 37; minus strand). Cytogenetic location: 12q24.31.
Variant type: single nucleotide variant.
Coding change: c.2021G>A on transcript NM_032656.4 (MANE Select); coding-DNA position 2021, G replaced by A.
Protein change: p.Arg674Gln; replaces arginine 674 with glutamine.
Molecular consequence: missense variant.
Genome position (GRCh38, 1-based): chr12:124,964,418, C>T on the plus strand (G>A on the coding strand, the complement: DHX37 is on the minus strand). VCF-style: chr12-124964418-C-T. GRCh37 (hg19) VCF-style: chr12-125448964-C-T.
Other names: c.2021G>A (NM_032656.3); short protein forms R674Q.
Identifiers: ClinVar variation 869423 (VCV000869423.2), dbSNP rs1954336215, ClinGen allele CA387224269.